The following is an entry in ClinVar:

ClinVar aggregate classification (germline): Uncertain significance (1 of 4 stars; one submission).

Conditions:
Long QT syndrome (LQTS). Identifiers: MedGen C0023976, MeSH D008133, MONDO:0002442. Disease mechanism: loss of function. Inheritance: Various modes of inheritance.

Allele frequency attached by ClinVar (database versions not stated): gnomAD 0.00001; TOPMed 0.00001.
gnomAD v4.1: 2 of 1,607,210 alleles (0.00012%); highest among the groups gnomAD compares: Non-Finnish European, 0.00017%; no homozygotes.

Submission:

Labcorp Genetics (formerly Invitae), Labcorp
Classification: Uncertain significance for Long QT syndrome. Last evaluated: 2022-02-04. Review status: criteria provided, single submitter. Criteria: Invitae Variant Classification Sherloc (09022015). Collection method: clinical testing. Allele origin: germline.
Comment: This variant has not been reported in the literature in individuals affected with CACNA1C-related conditions. This variant is not present in population databases (gnomAD no frequency). This sequence change replaces valine, which is neutral and non-polar, with methionine, which is neutral and non-polar, at codon 2018 of the CACNA1C protein (p.Val2018Met). ClinVar contains an entry for this variant (Variation ID: 863849). In summary, the available evidence is currently insufficient to determine the role of this variant in disease. Therefore, it has been classified as a Variant of Uncertain Significance. Algorithms developed to predict the effect of missense changes on protein structure and function are either unavailable or do not agree on the potential impact of this missense change (SIFT: "Tolerated"; PolyPhen-2: "Probably Damaging"; Align-GVGD: "Class C0").

NM_000719.7(CACNA1C):c.6052G>A (p.Val2018Met)

Genes: CACNA1C (calcium voltage-gated channel subunit alpha1 C; plus strand), CACNA1C-AS1 (CACNA1C antisense RNA 1; minus strand). Cytogenetic location: 12p13.33.
Variant type: single nucleotide variant.
Coding change: c.6052G>A on transcript NM_000719.7 (MANE Select); coding-DNA position 6052, G replaced by A.
Protein change: p.Val2018Met; replaces valine 2018 with methionine.
Molecular consequence: missense variant.
Genome position (GRCh38, 1-based): chr12:2,688,714, G>A. VCF-style: chr12-2688714-G-A. GRCh37 (hg19) VCF-style: chr12-2797880-G-A.
Other names: c.6196G>A, p.Val2066Met (NM_001129827.2); c.6175G>A, p.Val2059Met (NM_001129829.2); c.6157G>A, p.Val2053Met (NM_001129830.3, NM_001167624.3); c.6136G>A, p.Val2046Met (NM_001129831.2); c.6112G>A, p.Val2038Met (NM_001129832.2); c.6109G>A, p.Val2037Met (NM_001129833.2, NM_001129834.2, NM_001129835.2); c.6103G>A, p.Val2035Met (NM_001129836.2); c.6076G>A, p.Val2026Met (NM_001129837.2, NM_001129838.2); and 6 more; short protein forms V2046M, V2018M, V2037M, V2059M, V2101M, V2026M, V2053M, V2066M.
Identifiers: ClinVar variation 863849 (VCV000863849.10), dbSNP rs1251544688, ClinGen allele CA383385282.
Genomic context (GRCh38, chr12:2,688,714, plus strand): 5'-ACCACCCCCGGTGGCGGGGGCAGCAGCGCCGCCCGGAGAGTCCGGCCCGTCTCCCTCATG[G>A]TGCCCAGCCAGGCTGGGGCCCCAGGGAGGCAGTTCCACGGCAGTGCCAGCAGCCTGGTGG-3'
Protein context (NP_000710.5, residues 2008-2028): ARRVRPVSLM[Val2018Met]PSQAGAPGRQ